The following is an entry in ClinVar:

NM_013382.7(POMT2):c.220C>T (p.His74Tyr)

Gene: POMT2 (protein O-mannosyltransferase 2; minus strand). Cytogenetic location: 14q24.3.
Variant type: single nucleotide variant.
Coding change: c.220C>T on transcript NM_013382.7 (MANE Select); coding-DNA position 220, C replaced by T.
Protein change: p.His74Tyr; replaces histidine 74 with tyrosine.
Molecular consequence: missense variant.
Genome position (GRCh38, 1-based): chr14:77,320,462, G>A on the plus strand (C>T on the coding strand, the complement: POMT2 is on the minus strand). VCF-style: chr14-77320462-G-A. GRCh37 (hg19) VCF-style: chr14-77786805-G-A.
Other names: short protein forms H74Y.
Identifiers: ClinVar variation 1411733 (VCV001411733.8), dbSNP rs1398447748, ClinGen allele CA390504346.

ClinVar aggregate classification (germline): Uncertain significance (1 of 4 stars; one submission).

Conditions:
Muscular dystrophy-dystroglycanopathy (congenital with brain and eye anomalies), type A2. Also called: MUSCULAR DYSTROPHY-DYSTROGLYCANOPATHY (CONGENITAL WITH BRAIN AND EYE ANOMALIES), TYPE A, 2; WALKER-WARBURG SYNDROME OR MUSCLE-EYE-BRAIN DISEASE, POMT2-RELATED. Identifiers: Orphanet 588, Orphanet 899, MedGen C3150411, MONDO:0013154, OMIM 613150.
Autosomal recessive limb-girdle muscular dystrophy type 2N. Also called: MUSCULAR DYSTROPHY-DYSTROGLYCANOPATHY, LIMB-GIRDLE, POMT2-RELATED; Muscular dystrophy-dystroglycanopathy (limb-girdle), type C, 2. Identifiers: Orphanet 206559, MedGen C3150418, MONDO:0013162, OMIM 613158.
Muscular dystrophy-dystroglycanopathy (congenital with impaired intellectual development), type B, 2. Also called: MUSCULAR DYSTROPHY, CONGENITAL, POMT2-RELATED; Muscular dystrophy-dystroglycanopathy (congenital with intellectual disability), type B2. Identifiers: MedGen C3150416, MONDO:0013160, OMIM 613156.

Allele frequency attached by ClinVar (database versions not stated): gnomAD exomes below 0.00001.
gnomAD v4.1: 3 of 1,545,814 alleles (0.00019%); highest among the groups gnomAD compares: Non-Finnish European, 0.00026%; no homozygotes.

Submission:

Labcorp Genetics (formerly Invitae), Labcorp
Classification: Uncertain significance for Muscular dystrophy-dystroglycanopathy (congenital with impaired intellectual development), type B, 2; Muscular dystrophy-dystroglycanopathy (congenital with brain and eye anomalies), type A2; Autosomal recessive limb-girdle muscular dystrophy type 2N. Last evaluated: 2022-06-05. Review status: criteria provided, single submitter. Criteria: Invitae Variant Classification Sherloc (09022015). Collection method: clinical testing. Allele origin: germline.
Comment: This variant is not present in population databases (gnomAD no frequency). This sequence change replaces histidine, which is basic and polar, with tyrosine, which is neutral and polar, at codon 74 of the POMT2 protein (p.His74Tyr). This variant has not been reported in the literature in individuals affected with POMT2-related conditions. ClinVar contains an entry for this variant (Variation ID: 1411733). Algorithms developed to predict the effect of missense changes on protein structure and function output the following: SIFT: "Tolerated"; PolyPhen-2: "Benign"; Align-GVGD: "Class C0". The tyrosine amino acid residue is found in multiple mammalian species, which suggests that this missense change does not adversely affect protein function. In summary, the available evidence is currently insufficient to determine the role of this variant in disease. Therefore, it has been classified as a Variant of Uncertain Significance.